The following is an entry in ClinVar:

ClinVar aggregate classification (germline): Uncertain significance (1 of 4 stars; one submission).

Conditions:
Facioscapulohumeral muscular dystrophy 2 (FSHD2). Also called: FSHD2, DIGENIC; FACIOSCAPULOHUMERAL MUSCULAR DYSTROPHY 2, DIGENIC; MUSCULAR DYSTROPHY, FACIOSCAPULOHUMERAL, TYPE 1B. Identifiers: Orphanet 269, MedGen C1834671, MONDO:0008031, OMIM 158901.

Submission:

Labcorp Genetics (formerly Invitae), Labcorp
Classification: Uncertain significance for Facioscapulohumeral muscular dystrophy 2. Last evaluated: 2022-08-10. Review status: criteria provided, single submitter. Criteria: Invitae Variant Classification Sherloc (09022015). Collection method: clinical testing. Allele origin: germline.
Comment: In summary, the available evidence is currently insufficient to determine the role of this variant in disease. Therefore, it has been classified as a Variant of Uncertain Significance. Algorithms developed to predict the effect of missense changes on protein structure and function are either unavailable or do not agree on the potential impact of this missense change (SIFT: "Deleterious"; PolyPhen-2: "Benign"; Align-GVGD: "Class C0"). ClinVar contains an entry for this variant (Variation ID: 1351120). This variant has not been reported in the literature in individuals affected with SMCHD1-related conditions. This variant is not present in population databases (gnomAD no frequency). This sequence change replaces aspartic acid, which is acidic and polar, with valine, which is neutral and non-polar, at codon 1020 of the SMCHD1 protein (p.Asp1020Val).

NM_015295.3(SMCHD1):c.3059A>T (p.Asp1020Val)

Gene: SMCHD1 (structural maintenance of chromosomes flexible hinge domain containing 1; plus strand). Cytogenetic location: 18p11.32.
Variant type: single nucleotide variant.
Coding change: c.3059A>T on transcript NM_015295.3 (MANE Select); coding-DNA position 3059, A replaced by T.
Protein change: p.Asp1020Val; replaces aspartic acid 1020 with valine.
Molecular consequence: missense variant.
Genome position (GRCh38, 1-based): chr18:2,732,275, A>T. VCF-style: chr18-2732275-A-T. GRCh37 (hg19) VCF-style: chr18-2732273-A-T.
Other names: short protein forms D1020V.
Identifiers: ClinVar variation 1351120 (VCV001351120.8), dbSNP rs998650409, ClinGen allele CA295469621.